The following is an entry in ClinVar:

ClinVar aggregate classification (germline): Pathogenic/Likely pathogenic. Review status: criteria provided, multiple submitters, no conflicts (2 of 4 stars). 3 submissions from 3 submitters: Pathogenic (2); Likely pathogenic (1). Last evaluated 2024-03-13.

Conditions:
Deficiency of 2-methylbutyryl-CoA dehydrogenase (ACADSB). Also called: 2-methylbutyryl-CoA dehydrogenase deficiency; SBCAD deficiency; 2-methylbutyric aciduria; Short branched-chain acyl-CoA dehydrogenase deficiency; 2-methylbutyrylglycinuria. Identifiers: Orphanet 79157, MedGen C1864912, MONDO:0012392, OMIM 610006, HP:0020147.

Allele frequency attached by ClinVar (database versions not stated): gnomAD exomes below 0.00001; ExAC 0.00001; gnomAD 0.00001.

Submissions (3):

Fulgent Genetics
Classification: Likely pathogenic for Deficiency of 2-methylbutyryl-CoA dehydrogenase. Last evaluated: 2024-03-13. Review status: criteria provided, single submitter. Criteria: ACMG Guidelines, 2015. Collection method: clinical testing. Allele origin: germline.

Labcorp Genetics (formerly Invitae), Labcorp
Classification: Pathogenic for Deficiency of 2-methylbutyryl-CoA dehydrogenase. Last evaluated: 2021-08-07. Review status: criteria provided, single submitter. Criteria: Invitae Variant Classification Sherloc (09022015). Collection method: clinical testing. Allele origin: germline.
Comment: This sequence change creates a premature translational stop signal (p.Val219Glyfs*12) in the ACADSB gene. It is expected to result in an absent or disrupted protein product. This variant is present in population databases (rs755014798, ExAC 0.01%). This variant has not been reported in the literature in individuals with ACADSB-related conditions. Loss-of-function variants in ACADSB are known to be pathogenic (PMID: 20547083, 26284228). For these reasons, this variant has been classified as Pathogenic.

School of Computer Science, University of Waterloo
Classification: Pathogenic for Deficiency of 2-methylbutyryl-CoA dehydrogenase. Last evaluated: 2021-05-06. Review status: criteria provided, single submitter. Criteria: ACMG Guidelines, 2015. Collection method: clinical testing. Allele origin: germline. Affected: no. Observed: 17 variant alleles.
Comment: Evidence categories PVS1, PM2 and PM4 in ACMG guidelines. This is a frameshift variant in gene ACADSB that disrupts the protein NP_001600.1:p.Val219fs.

Literature cited by the submitters: PubMed 20547083 (cited by Labcorp Genetics (formerly Invitae), Labcorp); PubMed 26284228 (cited by Labcorp Genetics (formerly Invitae), Labcorp).

NM_001609.4(ACADSB):c.653dup (p.Val219fs)

Gene: ACADSB (acyl-CoA dehydrogenase short/branched chain; plus strand). Cytogenetic location: 10q26.13.
Variant type: Duplication.
Coding change: c.653dup on transcript NM_001609.4 (MANE Select); coding-DNA position 653, one base duplicated (T; older notation c.653dupT).
Protein change: p.Val219fs; shifts the reading frame from valine 219.
Molecular consequence: frameshift variant.
Genome position (GRCh38, 1-based): chr10:123,041,351, T duplicated. VCF-style (leftmost placement, unchanged base first): chr10-123041350-C-CT. GRCh37 (hg19) VCF-style: chr10-124800866-C-CT.
Other names: c.347dup, p.Val117fs (NM_001330174.3); short protein forms V117fs, V219fs.
Identifiers: ClinVar variation 859736 (VCV000859736.10), dbSNP rs755014798, ClinGen allele CA5730761.